The following is an entry in ClinVar:

ClinVar aggregate classification (germline): Uncertain significance (1 of 4 stars; one submission).

Conditions:
Neuropathy, hereditary sensory and autonomic, type 2A (HSAN2A). Also called: HSAN IIA; ACROOSTEOLYSIS, GIACCAI TYPE; ACROOSTEOLYSIS, NEUROGENIC; WNK1-Related HSAN2 (HSAN2A); MORVAN DISEASE; NEUROPATHY, CONGENITAL SENSORY. Identifiers: Orphanet 970, MedGen C2752089, MONDO:0024309, OMIM 201300.
Pseudohypoaldosteronism type 2C (PHA2C). Also called: Pseudohypoaldosteronism Type IIC. Identifiers: Orphanet 757, Orphanet 88940, MedGen C1840391, MONDO:0013778, OMIM 614492.

Allele frequency attached by ClinVar (database versions not stated): ExAC 0.00001; gnomAD exomes 0.00001 and 0.00002; gnomAD 0.00002; TOPMed 0.00002.
gnomAD v4.1: 39 of 1,613,910 alleles (0.0024%); highest among the groups gnomAD compares: African/African-American, 0.004%; no homozygotes.

Submission:

Labcorp Genetics (formerly Invitae), Labcorp
Classification: Uncertain significance for Neuropathy, hereditary sensory and autonomic, type 2A; Pseudohypoaldosteronism type 2C. Last evaluated: 2018-07-21. Review status: criteria provided, single submitter. Criteria: Invitae Variant Classification Sherloc (09022015). Collection method: clinical testing. Allele origin: germline.
Comment: Algorithms developed to predict the effect of missense changes on protein structure and function are either unavailable or do not agree on the potential impact of this missense change (SIFT: "Deleterious"; PolyPhen-2: "Benign"; Align-GVGD: "Class C0"). This sequence change replaces proline with leucine at codon 981 of the WNK1 protein (p.Pro981Leu). The proline residue is highly conserved and there is a moderate physicochemical difference between proline and leucine. This variant is present in population databases (rs754320383, ExAC 0.001%). This variant has not been reported in the literature in individuals with WNK1-related disease. In summary, the available evidence is currently insufficient to determine the role of this variant in disease. Therefore, it has been classified as a Variant of Uncertain Significance.

NM_018979.4(WNK1):c.2942C>T (p.Pro981Leu)

Gene: WNK1 (WNK lysine deficient protein kinase 1; plus strand). Cytogenetic location: 12p13.33.
Variant type: single nucleotide variant.
Coding change: c.2942C>T on transcript NM_018979.4 (MANE Select); coding-DNA position 2942, C replaced by T.
Protein change: p.Pro981Leu; replaces proline 981 with leucine.
Molecular consequence: missense variant. On other transcripts: intron variant (2).
Genome position (GRCh38, 1-based): chr12:880,830, C>T. VCF-style: chr12-880830-C-T. GRCh37 (hg19) VCF-style: chr12-989996-C-T.
Other names: c.3722C>T, p.Pro1241Leu (NM_001184985.2); c.3868-862C>T (NM_213655.5); c.2371-862C>T (NM_014823.3); short protein forms P981L, P1241L.
Identifiers: ClinVar variation 567629 (VCV000567629.7), dbSNP rs754320383, ClinGen allele CA6382613.